The following is an entry in ClinVar:

ClinVar aggregate classification (germline): Uncertain significance (0 of 4 stars; one submission).

Conditions:
PCNT-related disorder. Also called: PCNT-related condition.

gnomAD v4.1: 7 of 1,614,214 alleles (0.00043%); highest among the groups gnomAD compares: Non-Finnish European, 0.00051%; no homozygotes.

Submission:

PreventionGenetics, part of Exact Sciences
Classification: Uncertain significance for PCNT-related condition. Last evaluated: 2024-06-21. Review status: no assertion criteria provided. Collection method: clinical testing. Allele origin: germline.
Comment: The PCNT c.3308A>T variant is predicted to result in the amino acid substitution p.Gln1103Leu. To our knowledge, this variant has not been reported in the literature or in a large population database, indicating this variant is rare. At this time, the clinical significance of this variant is uncertain due to the absence of conclusive functional and genetic evidence.

NM_006031.6(PCNT):c.3308A>T (p.Gln1103Leu)

Gene: PCNT (pericentrin; plus strand). Cytogenetic location: 21q22.3.
Variant type: single nucleotide variant.
Coding change: c.3308A>T on transcript NM_006031.6 (MANE Select); coding-DNA position 3308, A replaced by T.
Protein change: p.Gln1103Leu; replaces glutamine 1103 with leucine.
Molecular consequence: missense variant.
Genome position (GRCh38, 1-based): chr21:46,381,836, A>T. VCF-style: chr21-46381836-A-T. GRCh37 (hg19) VCF-style: chr21-47801751-A-T.
Other names: c.2954A>T, p.Gln985Leu (NM_001315529.2); short protein forms Q1103L, Q985L.
Identifiers: ClinVar variation 3356048 (VCV003356048.1).
Genomic context (GRCh38, chr21:46,381,836, plus strand): 5'-TTCACCAAGAGGAGAAAGAGTCTTTGTCTCTGCAGCTTCAAAAGAAGAATCACCAAGTCC[A>T]GCAGGTGTGTGGAATACGCTGTTCCCTTGTGATAAGACGTGTATAGCATAAAAATCATTT-3'
Protein context (NP_006022.3, residues 1093-1113): LQLQKKNHQV[Gln1103Leu]QLKDQVLSLS